The following is an entry in ClinVar:

NM_001367871.1(FBRSL1):c.1881T>C (p.Pro627=)

Gene: FBRSL1 (fibrosin like 1; plus strand). Cytogenetic location: 12q24.33.
Variant type: single nucleotide variant.
Coding change: c.1881T>C on transcript NM_001367871.1 (MANE Select); coding-DNA position 1881, T replaced by C.
Protein change: p.Pro627=; no amino-acid change (proline 627 retained).
Molecular consequence: synonymous variant.
Genome position (GRCh38, 1-based): chr12:132,581,485, T>C. VCF-style: chr12-132581485-T-C. GRCh37 (hg19) VCF-style: chr12-133158071-T-C.
Other names: c.2010T>C, p.Pro670= (NM_001142641.2); c.1935T>C, p.Pro645= (NM_001382739.1); c.1260T>C, p.Pro420= (NM_001382740.1).
Identifiers: ClinVar variation 4873607 (VCV004873607.2).
Genomic context (GRCh38, chr12:132,581,485, plus strand): 5'-GCTGCCCCCCCCAGGTGCCGCCCATCCTGCCTCCAACCCATTTGGACCCTCAGCCCATCC[T>C]GGCAGCTTCCTGCCCACTGGCCCCCTGACAGGTGGGTGTCTCTGAATTCAGCCCACGCAG-3'
Protein context (NP_001354800.1, residues 617-637): ASNPFGPSAH[Pro627=]GSFLPTGPLT

ClinVar aggregate classification (germline): Likely benign (1 of 4 stars; one submission).

gnomAD v4.1: 19 of 1,551,094 alleles (0.0012%); highest among the groups gnomAD compares: African/African-American, 0.011%; 1 homozygote.

Submission:

CeGaT Center for Human Genetics Tuebingen
Classification: Likely benign. Last evaluated: 2026-04-01. Review status: criteria provided, single submitter. Criteria: CeGaT Center For Human Genetics Tuebingen Variant Classification Criteria Version 2. Collection method: clinical testing. Allele origin: germline. Affected: yes. Observed: 1 variant allele.
Comment: FBRSL1: BP4, BP7